The following is an entry in ClinVar:

NM_015450.3(POT1):c.1327G>A (p.Gly443Ser)

Gene: POT1 (protection of telomeres 1; minus strand). Cytogenetic location: 7q31.33.
Variant type: single nucleotide variant.
Coding change: c.1327G>A on transcript NM_015450.3 (MANE Select); coding-DNA position 1327, G replaced by A.
Protein change: p.Gly443Ser; replaces glycine 443 with serine.
Molecular consequence: missense variant. On other transcripts: non-coding transcript variant (3).
Genome position (GRCh38, 1-based): chr7:124,841,015, C>T on the plus strand (G>A on the coding strand, the complement: POT1 is on the minus strand). VCF-style: chr7-124841015-C-T. GRCh37 (hg19) VCF-style: chr7-124481069-C-T.
Other names: c.934G>A, p.Gly312Ser (NM_001042594.2); short protein forms G443S, G312S.
Identifiers: ClinVar variation 2497612 (VCV002497612.4), dbSNP rs1795013830, ClinGen allele CA369066828.

ClinVar aggregate classification (germline): Uncertain significance. Review status: criteria provided, multiple submitters, no conflicts (2 of 4 stars). 2 submissions from 2 submitters: Uncertain significance (2). Last evaluated 2025-03-04.

Conditions:
Hereditary cancer-predisposing syndrome. Also called: Neoplastic Syndromes, Hereditary; Hereditary neoplastic syndrome; Tumor predisposition; Hereditary Cancer Syndrome. Identifiers: Orphanet 140162, MedGen C0027672, MeSH D009386, MONDO:0015356.

Allele frequency attached by ClinVar (database versions not stated): TOPMed below 0.00001.

Submissions (2):

Center for Genomic Medicine, Rigshospitalet, Copenhagen University Hospital
Classification: Uncertain significance. Last evaluated: 2025-03-04. Review status: criteria provided, single submitter. Criteria: ACMG Guidelines, 2015. Collection method: clinical testing. Allele origin: germline.

Ambry Genetics
Classification: Uncertain significance for Hereditary cancer-predisposing syndrome. Last evaluated: 2023-02-06. Review status: criteria provided, single submitter. Criteria: Ambry Variant Classification Scheme 2023. Collection method: clinical testing. Allele origin: germline.
Comment: The p.G443S variant (also known as c.1327G>A), located in coding exon 10 of the POT1 gene, results from a G to A substitution at nucleotide position 1327. The glycine at codon 443 is replaced by serine, an amino acid with similar properties. This amino acid position is not well conserved in available vertebrate species. In addition, this alteration is predicted to be tolerated by in silico analysis. Since supporting evidence is limited at this time, the clinical significance of this alteration remains unclear.